The following is an entry in ClinVar:

NM_000059.4(BRCA2):c.8253T>G (p.Ile2751Met)

Gene: BRCA2 (BRCA2 DNA repair associated; plus strand). Cytogenetic location: 13q13.1.
Variant type: single nucleotide variant.
Coding change: c.8253T>G on transcript NM_000059.4 (MANE Select); coding-DNA position 8253, T replaced by G.
Protein change: p.Ile2751Met; replaces isoleucine 2751 with methionine.
Molecular consequence: missense variant.
Genome position (GRCh38, 1-based): chr13:32,363,455, T>G. VCF-style: chr13-32363455-T-G. GRCh37 (hg19) VCF-style: chr13-32937592-T-G.
Other names: short protein forms I2751M.
Identifiers: ClinVar variation 236915 (VCV000236915.17), dbSNP rs757501907, ClinGen allele CA10583140.

ClinVar aggregate classification (germline): Conflicting classifications of pathogenicity. Review status: criteria provided, conflicting classifications (1 of 4 stars). 4 submissions from 4 submitters: Uncertain significance (3); Likely benign (1). Last evaluated 2025-05-23.

Conditions:
Hereditary cancer-predisposing syndrome. Also called: Tumor predisposition; Hereditary Cancer Syndrome; Hereditary neoplastic syndrome; Neoplastic Syndromes, Hereditary. Identifiers: Orphanet 140162, MedGen C0027672, MeSH D009386, MONDO:0015356.
Hereditary breast ovarian cancer syndrome. Also called: Hereditary breast and ovarian cancer; Breast and ovarian cancer; BRCA1- and BRCA2-Associated Hereditary Breast and Ovarian Cancer; Hereditary breast and ovarian cancer syndrome; Hereditary breast and ovarian cancer syndrome (HBOC); Hereditary breast and/or ovarian cancer syndrome. Identifiers: Orphanet 145, MedGen C0677776, MeSH D061325, MONDO:0003582. Disease mechanism: loss of function.
Breast-ovarian cancer, familial, susceptibility to, 2 (BROVCA2). Also called: BRCA2 Hereditary Breast and Ovarian Cancer. Identifiers: Orphanet 145, MedGen C2675520, MONDO:0012933, OMIM 612555. Disease mechanism: loss of function.

Allele frequency attached by ClinVar (database versions not stated): gnomAD exomes below 0.00001.
gnomAD v4.1: 3 of 1,614,030 alleles (0.00019%); highest among the groups gnomAD compares: African/African-American, 0.0027%; no homozygotes.

Submissions (4):

Labcorp Genetics (formerly Invitae), Labcorp
Classification: Uncertain significance for Hereditary breast ovarian cancer syndrome. Last evaluated: 2025-05-23. Review status: criteria provided, single submitter. Criteria: Invitae Variant Classification Sherloc (09022015). Collection method: clinical testing. Allele origin: germline.
Comment: This sequence change replaces isoleucine, which is neutral and non-polar, with methionine, which is neutral and non-polar, at codon 2751 of the BRCA2 protein (p.Ile2751Met). This variant is not present in population databases (gnomAD no frequency). This variant has not been reported in the literature in individuals affected with BRCA2-related conditions. ClinVar contains an entry for this variant (Variation ID: 236915). Invitae Evidence Modeling of protein sequence and biophysical properties (such as structural, functional, and spatial information, amino acid conservation, physicochemical variation, residue mobility, and thermodynamic stability) indicates that this missense variant is not expected to disrupt BRCA2 protein function with a negative predictive value of 95%. In summary, the available evidence is currently insufficient to determine the role of this variant in disease. Therefore, it has been classified as a Variant of Uncertain Significance.

GeneDx
Classification: Uncertain significance. Last evaluated: 2024-01-24. Review status: criteria provided, single submitter. Criteria: GeneDx Variant Classification Process June 2021. Collection method: clinical testing. Allele origin: germline. Affected: yes.
Comment: Observed in an individual undergoing multi-gene panel testing based on personal and family history of cancer (PMID: 31853058); In silico analysis supports that this missense variant does not alter protein structure/function; Not observed at significant frequency in large population cohorts (gnomAD); Also known as 8481T>G; This variant is associated with the following publications: (PMID: 32377563, 29884841, 12228710, 31853058)

All of Us Research Program, National Institutes of Health
Classification: Uncertain significance for Breast-ovarian cancer, familial, susceptibility to, 2. Last evaluated: 2023-12-01. Review status: criteria provided, single submitter. Criteria: ACMG Guidelines, 2015. Collection method: clinical testing. Allele origin: germline. Inheritance: Autosomal dominant inheritance. Observed: 1 variant allele, 1 heterozygote.
Comment: This study involves interpretation of variants in research participants for the purpose of population health screening. Participant phenotype was not available at the time of variant classification. Additional details can be found in publication PMID: 35346344, PMCID: PMC8962531

Ambry Genetics
Classification: Likely benign for Hereditary cancer-predisposing syndrome. Last evaluated: 2020-07-28. Review status: criteria provided, single submitter. Criteria: Ambry Variant Classification Scheme 2023. Collection method: clinical testing. Allele origin: germline.